The following is an entry in ClinVar:

ClinVar aggregate classification (germline): Uncertain significance (1 of 4 stars; one submission).

gnomAD v4.1: 5 of 1,613,662 alleles (0.00031%); highest among the groups gnomAD compares: Non-Finnish European, 0.00042%; no homozygotes.

Submission:

GeneDx
Classification: Uncertain significance. Last evaluated: 2023-07-28. Review status: criteria provided, single submitter. Criteria: GeneDx Variant Classification Process June 2021. Collection method: clinical testing. Allele origin: germline. Affected: yes.
Comment: Not observed at significant frequency in large population cohorts (gnomAD); In silico analysis supports that this missense variant does not alter protein structure/function; Has not been previously published as pathogenic or benign to our knowledge

NM_015215.4(CAMTA1):c.1376A>G (p.Asn459Ser)

Gene: CAMTA1 (calmodulin binding transcription activator 1; plus strand). Cytogenetic location: 1p36.23.
Variant type: single nucleotide variant.
Coding change: c.1376A>G on transcript NM_015215.4 (MANE Select); coding-DNA position 1376, A replaced by G.
Protein change: p.Asn459Ser; replaces asparagine 459 with serine.
Molecular consequence: missense variant.
Genome position (GRCh38, 1-based): chr1:7,663,923, A>G. VCF-style: chr1-7663923-A-G. GRCh37 (hg19) VCF-style: chr1-7723983-A-G.
Other names: c.1286A>G, p.Asn429Ser (NM_001349608.2, NM_001349612.2); c.1376A>G, p.Asn459Ser (NM_001349609.2, NM_001349610.2, NM_001410737.1); c.1304A>G, p.Asn435Ser (NM_001410738.1); short protein forms N429S, N435S, N459S.
Identifiers: ClinVar variation 3361411 (VCV003361411.1).